The following is an entry in ClinVar:

NM_019066.5(MAGEL2):c.209G>T (p.Gly70Val)

Gene: MAGEL2 (MAGE family member L2; minus strand). Cytogenetic location: 15q11.2.
Variant type: single nucleotide variant.
Coding change: c.209G>T on transcript NM_019066.5 (MANE Select); coding-DNA position 209, G replaced by T.
Protein change: p.Gly70Val; replaces glycine 70 with valine.
Molecular consequence: missense variant.
Genome position (GRCh38, 1-based): chr15:23,647,534, C>A on the plus strand (G>T on the coding strand, the complement: MAGEL2 is on the minus strand). VCF-style: chr15-23647534-C-A. GRCh37 (hg19) VCF-style: chr15-23892681-C-A.
Other names: short protein forms G70V.
Identifiers: ClinVar variation 3767601 (VCV003767601.1).

ClinVar aggregate classification (germline): Uncertain significance (1 of 4 stars; one submission).

Submission:

GeneDx
Classification: Uncertain significance. Last evaluated: 2024-09-08. Review status: criteria provided, single submitter. Criteria: GeneDx Variant Classification Process June 2021. Collection method: clinical testing. Allele origin: germline. Affected: yes.
Comment: Not observed at significant frequency in large population cohorts (gnomAD); In silico analysis indicates that this missense variant does not alter protein structure/function; Has not been previously published as pathogenic or benign to our knowledge